The following is an entry in ClinVar:

ClinVar aggregate classification (germline): Likely benign. Review status: criteria provided, multiple submitters, no conflicts (2 of 4 stars). 3 submissions from 3 submitters: Likely benign (3). Last evaluated 2026-01-24.

Conditions:
CAD-related disorder. Also called: CAD-related condition.

Allele frequency attached by ClinVar (database versions not stated): 1000 Genomes Project 30x 0.00016; 1000 Genomes Project 0.00020; gnomAD 0.00052 and 0.00055; TOPMed 0.00054; ESP Exome Variant Server 0.00062; gnomAD exomes 0.00076 and 0.00087; ExAC 0.00094.

Submissions (3):

Labcorp Genetics (formerly Invitae), Labcorp
Classification: Likely benign. Last evaluated: 2026-01-24. Review status: criteria provided, single submitter. Criteria: Invitae Variant Classification Sherloc (09022015). Collection method: clinical testing. Allele origin: germline.

PreventionGenetics, part of Exact Sciences
Classification: Likely benign for CAD-related condition. Last evaluated: 2024-12-04. Review status: criteria provided, single submitter. Criteria: ACMG Guidelines, 2015. Collection method: clinical testing. Allele origin: germline.
Comment: This variant is classified as likely benign based on ACMG/AMP sequence variant interpretation guidelines (Richards et al. 2015 PMID: 25741868, with internal and published modifications).

Blueprint Genetics
Classification: Likely benign. Last evaluated: 2024-11-06. Review status: criteria provided, single submitter. Criteria: ACMG Guidelines, 2015. Collection method: clinical testing. Allele origin: germline.

NM_004341.5(CAD):c.400C>T (p.Leu134=)

Gene: CAD (carbamoyl-phosphate synthetase 2, aspartate transcarbamylase, and dihydroorotase; plus strand). Cytogenetic location: 2p23.3.
Variant type: single nucleotide variant.
Coding change: c.400C>T on transcript NM_004341.5 (MANE Select); coding-DNA position 400, C replaced by T.
Protein change: p.Leu134=; no amino-acid change (leucine 134 retained).
Molecular consequence: synonymous variant.
Genome position (GRCh38, 1-based): chr2:27,222,241, C>T. VCF-style: chr2-27222241-C-T. GRCh37 (hg19) VCF-style: chr2-27445109-C-T.
Other names: c.400C>T, p.Leu134= (NM_001306079.2).
Identifiers: ClinVar variation 735774 (VCV000735774.11), dbSNP rs150948363, ClinGen allele CA1572411.